The following is an entry in ClinVar:

ClinVar aggregate classification (germline): Uncertain significance (1 of 4 stars; one submission).

gnomAD v4.1: 5 of 1,605,782 alleles (0.00031%); highest among the groups gnomAD compares: Non-Finnish European, 0.00025%; no homozygotes.

Submission:

Labcorp Genetics (formerly Invitae), Labcorp
Classification: Uncertain significance. Last evaluated: 2025-07-14. Review status: criteria provided, single submitter. Criteria: Invitae Variant Classification Sherloc (09022015). Collection method: clinical testing. Allele origin: germline.
Comment: This sequence change falls in intron 9 of the CSF2RB gene. It does not directly change the encoded amino acid sequence of the CSF2RB protein. It affects a nucleotide within the consensus splice site. This variant is not present in population databases (gnomAD no frequency). This variant has not been reported in the literature in individuals affected with CSF2RB-related conditions. Variants that disrupt the consensus splice site are a relatively common cause of aberrant splicing (PMID: 17576681, 9536098). Algorithms developed to predict the effect of sequence changes on RNA splicing suggest that this variant is not likely to affect RNA splicing. In summary, the available evidence is currently insufficient to determine the role of this variant in disease. Therefore, it has been classified as a Variant of Uncertain Significance.

Literature cited by the submitters: PubMed 17576681; PubMed 9536098.

NM_000395.3(CSF2RB):c.1153-3C>T

Gene: CSF2RB (colony stimulating factor 2 receptor subunit beta; plus strand). Cytogenetic location: 22q12.3.
Variant type: single nucleotide variant.
Coding change: c.1153-3C>T on transcript NM_000395.3 (MANE Select); 3 bases into the intron before coding-DNA position 1153, C replaced by T.
Molecular consequence: intron variant.
Genome position (GRCh38, 1-based): chr22:36,933,829, C>T. VCF-style: chr22-36933829-C-T. GRCh37 (hg19) VCF-style: chr22-37329871-C-T.
Other names: c.1171-3C>T (NM_001410827.1).
Identifiers: ClinVar variation 4765470 (VCV004765470.1).